The following is an entry in ClinVar:

ClinVar aggregate classification (germline): Uncertain significance (1 of 4 stars; one submission).

Conditions:
Pyridoxine-dependent epilepsy (EPEO4). Also called: PYRIDOXINE DEPENDENCY WITH SEIZURES; Pyridoxine-Dependent Epilepsy - ALDH7A1; EPILEPSY, EARLY-ONSET, 4, VITAMIN B6-DEPENDENT; Pyridoxine-Dependent Seizures. Identifiers: Orphanet 3006, MedGen C1849508, MONDO:0009945, OMIM 266100. Disease mechanism: loss of function.

Allele frequency attached by ClinVar (database versions not stated): TOPMed 0.00001; gnomAD 0.00001.
gnomAD v4.1: 1 of 1,613,972 alleles (0.000062%); highest among the groups gnomAD compares: African/African-American, 0.0013%; no homozygotes.

Submission:

Labcorp Genetics (formerly Invitae), Labcorp
Classification: Uncertain significance for Pyridoxine-dependent epilepsy. Last evaluated: 2022-11-01. Review status: criteria provided, single submitter. Criteria: Invitae Variant Classification Sherloc (09022015). Collection method: clinical testing. Allele origin: germline.
Comment: This sequence change replaces valine, which is neutral and non-polar, with leucine, which is neutral and non-polar, at codon 92 of the ALDH7A1 protein (p.Val92Leu). In summary, the available evidence is currently insufficient to determine the role of this variant in disease. Therefore, it has been classified as a Variant of Uncertain Significance. Advanced modeling of protein sequence and biophysical properties (such as structural, functional, and spatial information, amino acid conservation, physicochemical variation, residue mobility, and thermodynamic stability) performed at Invitae indicates that this missense variant is not expected to disrupt ALDH7A1 protein function. ClinVar contains an entry for this variant (Variation ID: 1011813). This variant has not been reported in the literature in individuals affected with ALDH7A1-related conditions. This variant is present in population databases (no rsID available, gnomAD 0.01%).

NM_001182.5(ALDH7A1):c.274G>C (p.Val92Leu)

Gene: ALDH7A1 (aldehyde dehydrogenase 7 family member A1; minus strand). Cytogenetic location: 5q23.2.
Variant type: single nucleotide variant.
Coding change: c.274G>C on transcript NM_001182.5 (MANE Select); coding-DNA position 274, G replaced by C.
Protein change: p.Val92Leu; replaces valine 92 with leucine.
Molecular consequence: missense variant.
Genome position (GRCh38, 1-based): chr5:126,592,702, C>G on the plus strand (G>C on the coding strand, the complement: ALDH7A1 is on the minus strand). VCF-style: chr5-126592702-C-G. GRCh37 (hg19) VCF-style: chr5-125928394-C-G.
Other names: c.190G>C, p.Val64Leu (NM_001201377.2); c.274G>C, p.Val92Leu (NM_001202404.2); short protein forms V64L, V92L.
Identifiers: ClinVar variation 1011813 (VCV001011813.9), dbSNP rs945175192, ClinGen allele CA126924343.